The following is an entry in ClinVar:

NM_001130987.2(DYSF):c.4629C>G (p.Val1543=)

Gene: DYSF (dysferlin; plus strand). Cytogenetic location: 2p13.2.
Variant type: single nucleotide variant.
Coding change: c.4629C>G on transcript NM_001130987.2 (MANE Select); coding-DNA position 4629, C replaced by G.
Protein change: p.Val1543=; no amino-acid change (valine 1543 retained).
Molecular consequence: synonymous variant.
Genome position (GRCh38, 1-based): chr2:71,656,164, C>G. VCF-style: chr2-71656164-C-G. GRCh37 (hg19) VCF-style: chr2-71883294-C-G.
Other names: NM_001130987.2(DYSF):c.4629C>G; p.Val1543=; p.Val1504=; c.4515C>G, p.Val1505= (NM_001130455.2); c.4470C>G, p.Val1490= (NM_001130976.2); c.4533C>G, p.Val1511= (NM_001130977.2); c.4575C>G, p.Val1525= (NM_001130978.2); c.4605C>G, p.Val1535= (NM_001130979.2); and 8 more.
Identifiers: ClinVar variation 197463 (VCV000197463.28), dbSNP rs142483266, ClinGen allele CA245628.

ClinVar aggregate classification (germline): Likely benign. Review status: reviewed by expert panel (3 of 4 stars). 10 submissions from 10 submitters: Likely benign (1). 9 of the submissions do not count toward it. Last evaluated 2025-01-09.

Conditions:
Autosomal recessive limb-girdle muscular dystrophy. Identifiers: Orphanet 102015, MedGen C2931907, MONDO:0015152.
Neuromuscular disease caused by qualitative or quantitative defects of dysferlin. Also called: Dysferlinopathy; Qualitative or quantitative defects of dysferlin. Identifiers: Orphanet 207073, MedGen C2931687, MONDO:0016145.
Autosomal recessive limb-girdle muscular dystrophy type 2B (LGMDR2). Also called: MUSCULAR DYSTROPHY, LIMB-GIRDLE, AUTOSOMAL RECESSIVE 2; Limb-girdle muscular dystrophy, type 2B; Limb-Girdle Muscular Dystrophy Type 2B (LGMD2B); MUSCULAR DYSTROPHY, LIMB-GIRDLE, TYPE 3. Identifiers: Orphanet 268, MedGen C1850889, MONDO:0009676, OMIM 253601.

Allele frequency attached by ClinVar (database versions not stated): 1000 Genomes Project below 0.00001; ExAC 0.00072; gnomAD exomes 0.00082; gnomAD 0.00087 and 0.00109; TOPMed 0.00130; ESP Exome Variant Server 0.00138.
gnomAD v4.1: 2,562 of 1,613,974 alleles (0.16%); highest among the groups gnomAD compares: Non-Finnish European, 0.2%; 7 homozygotes.

Submissions (14):

ClinGen Limb Girdle Muscular Dystrophy Variant Curation Expert Panel, ClinGen
Classification: Likely benign for Autosomal recessive limb-girdle muscular dystrophy. Last evaluated: 2025-01-09. Review status: reviewed by expert panel. Criteria: ClinGen LGMD VCEP ACMG Specifications DYSF V1.0.0. Collection method: curation. Allele origin: germline. Inheritance: Autosomal recessive inheritance.
Comment: The NM_003494.4: c.4512C>G p.(Val1504=) variant in DYSF, which is also known as NM_001130987.2: c.4629C>G p.(Val1543=), is a synonymous (silent) variant that is not expected to change the amino acid sequence. The filtering allele frequency for this variant is 0.001985 for the European (non-Finnish) population in gnomAD v4.1.0 (the lower threshold of the 95% CI of 2286/1111986 exome chromosomes), which is greater than the ClinGen LGMD VCEP threshold of 0.001 for BS1, and therefore meets this criterion (BS1). While this variant affects the first amino acid of exon 42 and so is located in a splice region (BP7 not met), the SpliceAI score is 0, which is less than the LGMD VCEP threshold of 0.05 (BP4). This variant has been identified in a patient with a clinical suspicion of LGMD but as a single hit in an individual with an alternative molecular diagnosis (LOVD Individual #00220067). In summary, this variant meets the criteria to be classified as Likely Benign for autosomal recessive limb girdle muscular dystrophy based on the ACMG/AMP criteria applied, as specified by the ClinGen LGMD VCEP (LGMD VCEP specifications version 1.0.0; 01/09/2025): BS1, BP4.

Labcorp Genetics (formerly Invitae), Labcorp
Classification: Likely benign for Neuromuscular disease caused by qualitative or quantitative defects of dysferlin. Last evaluated: 2026-02-04. Review status: criteria provided, single submitter. Criteria: Invitae Variant Classification Sherloc (09022015). Collection method: clinical testing. Allele origin: germline. Not counted in ClinVar's aggregate classification.

Mayo Clinic Laboratories, Mayo Clinic
Classification: Likely benign. Last evaluated: 2025-04-30. Review status: criteria provided, single submitter. Criteria: ACMG Guidelines, 2015. Collection method: clinical testing. Allele origin: germline. Observed: 3 variant alleles. Not counted in ClinVar's aggregate classification.
Comment: BS2, BP4, BP7

Blueprint Genetics
Classification: Likely benign. Last evaluated: 2024-11-18. Review status: criteria provided, single submitter. Criteria: ACMG Guidelines, 2015. Collection method: clinical testing. Allele origin: germline. Not counted in ClinVar's aggregate classification.

Athena Diagnostics
Classification: Likely benign. Last evaluated: 2019-10-28. Review status: criteria provided, single submitter. Criteria: Athena Diagnostics Criteria. Collection method: clinical testing. Allele origin: unknown. Not counted in ClinVar's aggregate classification.

GeneDx
Classification: Likely benign. Last evaluated: 2018-04-24. Review status: criteria provided, single submitter. Criteria: GeneDx Variant Classification Process June 2021. Collection method: clinical testing. Allele origin: germline. Affected: yes. Not counted in ClinVar's aggregate classification.

Illumina Laboratory Services, Illumina
Classification: Uncertain significance for Qualitative or quantitative defects of dysferlin. Last evaluated: 2018-01-12. Review status: criteria provided, single submitter. Criteria: ICSL Variant Classification Criteria 13 December 2019. Collection method: clinical testing. Allele origin: germline. Not counted in ClinVar's aggregate classification.

Eurofins Ntd Llc (ga)
Classification: Uncertain significance. Last evaluated: 2015-07-17. Review status: criteria provided, single submitter. Criteria: EGL Classification Definitions 2015. Collection method: clinical testing. Allele origin: germline. Observed: 3 variant alleles, 3 heterozygotes. Not counted in ClinVar's aggregate classification.

PreventionGenetics, part of Exact Sciences
Classification: Likely benign. Review status: criteria provided, single submitter. Criteria: ACMG Guidelines, 2015. Collection method: clinical testing. Allele origin: germline. Not counted in ClinVar's aggregate classification.

Natera, Inc.
Classification: Likely benign for Limb-girdle muscular dystrophy type 2B. Last evaluated: 2019-11-11. Review status: no assertion criteria provided. Collection method: clinical testing. Allele origin: germline. Not counted in ClinVar's aggregate classification.

Dr. Peter K. Rogan Lab, Western University
No classification provided (evidence only). Condition: Familial cancer of breast. Review status: no classification provided. Collection method: in vitro. Allele origin: not applicable. Functional consequence: retained intron. Not counted in ClinVar's aggregate classification.

Dr. Peter K. Rogan Lab, Western University
No classification provided (evidence only). Condition: Colorectal cancer. Review status: no classification provided. Collection method: in vitro. Allele origin: not applicable. Functional consequence: retained intron. Not counted in ClinVar's aggregate classification.

Dr. Peter K. Rogan Lab, Western University
No classification provided (evidence only). Condition: Hepatocellular carcinoma. Review status: no classification provided. Collection method: in vitro. Allele origin: not applicable. Functional consequence: skipped exon, retained intron. Not counted in ClinVar's aggregate classification.

Dr. Peter K. Rogan Lab, Western University
No classification provided (evidence only). Condition: Gastric cancer. Review status: no classification provided. Collection method: in vitro. Allele origin: not applicable. Functional consequence: retained intron. Not counted in ClinVar's aggregate classification.